The following is an entry in ClinVar:

ClinVar aggregate classification (germline): Uncertain significance (1 of 4 stars; one submission).

Allele frequency attached by ClinVar (database versions not stated): ExAC 0.00001; gnomAD 0.00003; TOPMed 0.00003.
gnomAD v4.1: 7 of 1,614,022 alleles (0.00043%); highest among the groups gnomAD compares: African/African-American, 0.0093%; no homozygotes.

Submission:

Labcorp Genetics (formerly Invitae), Labcorp
Classification: Uncertain significance. Last evaluated: 2022-03-28. Review status: criteria provided, single submitter. Criteria: Invitae Variant Classification Sherloc (09022015). Collection method: clinical testing. Allele origin: germline.
Comment: This sequence change replaces glutamine, which is neutral and polar, with glutamic acid, which is acidic and polar, at codon 264 of the PPCS protein (p.Gln264Glu). The frequency data for this variant in the population databases is considered unreliable, as metrics indicate poor data quality at this position in the gnomAD database. This variant has not been reported in the literature in individuals affected with PPCS-related conditions. Algorithms developed to predict the effect of missense changes on protein structure and function (SIFT, PolyPhen-2, Align-GVGD) all suggest that this variant is likely to be tolerated. In summary, the available evidence is currently insufficient to determine the role of this variant in disease. Therefore, it has been classified as a Variant of Uncertain Significance.

NM_024664.4(PPCS):c.790C>G (p.Gln264Glu)

Genes: CCDC30 (coiled-coil domain containing 30; plus strand), PPCS (phosphopantothenoylcysteine synthetase; plus strand). Cytogenetic location: 1p34.2.
Variant type: single nucleotide variant.
Coding change: c.790C>G on transcript NM_024664.4 (MANE Select); coding-DNA position 790, C replaced by G.
Protein change: p.Gln264Glu; replaces glutamine 264 with glutamic acid.
Molecular consequence: missense variant. On other transcripts: intron variant (2).
Genome position (GRCh38, 1-based): chr1:42,459,780, C>G. VCF-style: chr1-42459780-C-G. GRCh37 (hg19) VCF-style: chr1-42925451-C-G.
Other names: c.271C>G, p.Gln91Glu (NM_001077447.3, NM_001287506.1, NM_001287508.2 and 2 more transcripts); c.172C>G, p.Gln58Glu (NM_001287507.1); c.-880+2430C>G (NM_001355226.2); c.612+2430C>G (NM_001287511.2); short protein forms Q58E, Q91E, Q264E.
Identifiers: ClinVar variation 1930907 (VCV001930907.2), dbSNP rs751422458, ClinGen allele CA800073.